The following is an entry in ClinVar:

NM_003865.3(HESX1):c.533del (p.Asn178fs)

Gene: HESX1 (HESX homeobox 1; minus strand). Cytogenetic location: 3p14.3.
Variant type: Deletion.
Coding change: c.533del on transcript NM_003865.3 (MANE Select); coding-DNA position 533, one base deleted (A; older notation c.533delA).
Protein change: p.Asn178fs; shifts the reading frame from asparagine 178.
Molecular consequence: frameshift variant. On other transcripts: non-coding transcript variant (1).
Genome position (GRCh38, 1-based): chr3:57,198,222, T deleted on the plus strand (A on the coding strand, the reverse complement: HESX1 is on the minus strand); the first of 8 consecutive T bases (chr3:57,198,222-57,198,229); deleting any one gives the same sequence. VCF-style (leftmost placement, unchanged base first): chr3-57198221-AT-A. GRCh37 (hg19) VCF-style: chr3-57232249-AT-A.
Other names: c.533delA (NM_003865.3); c.533del, p.Asn178fs (NM_001376058.1, NM_001376059.1, NM_001376060.1 and 1 more transcripts); short protein forms N178fs.
Identifiers: ClinVar variation 4845672 (VCV004845672.1).
Genomic context (GRCh38, chr3:57,198,221, plus strand): 5'-CAATTAGAAGATAATTTCACTTGTTTAGTTTTCTATCTATTCCAGCAGATTTGTGTTGAA[AT>A]TTTTTTTCGCCATTAGAAACTGTGATTCTCTATGGGACCTTTTCAGTTTTGCACGCCGAT-3'

ClinVar aggregate classification (germline): Likely pathogenic (1 of 4 stars; one submission).

Conditions:
Septo-optic dysplasia sequence (SOD). Also called: DE MORSIER SYNDROME; Septo-optic dysplasia. Identifiers: Orphanet 3157, MedGen C0338503, MONDO:0008428, OMIM 182230, HP:0100842.

Submission:

First Genomix Gene Laboratory, Genetic Diagnostics Department
Classification: Likely pathogenic for Septo-optic dysplasia sequence. Last evaluated: 2025-01-13. Review status: criteria provided, single submitter. Criteria: ACMG Guidelines, 2015. Collection method: clinical testing. Allele origin: germline. Inheritance: Autosomal recessive inheritance. Affected: no. Observed: 1 variant allele.